The following is an entry in ClinVar:

NM_194255.4(SLC19A1):c.190-2431C>T

Gene: SLC19A1 (solute carrier family 19 member 1; minus strand). Cytogenetic location: 21q22.3.
Variant type: single nucleotide variant.
Coding change: c.190-2431C>T on transcript NM_194255.4 (MANE Select); 2431 bases into the intron before coding-DNA position 190, C replaced by T.
Molecular consequence: intron variant. On other transcripts: missense variant (1).
Genome position (GRCh38, 1-based): chr21:45,534,579, G>A on the plus strand (C>T on the coding strand, the complement: SLC19A1 is on the minus strand). VCF-style: chr21-45534579-G-A. GRCh37 (hg19) VCF-style: chr21-46954493-G-A.
Other names: c.28C>T, p.Pro10Ser (NM_001205207.3); c.190-2431C>T (NM_001352511.3, NM_001205206.4, NM_001352512.2); c.-165-2431C>T (NM_001352510.2); short protein forms P10S.
Identifiers: ClinVar variation 4872503 (VCV004872503.2).

ClinVar aggregate classification (germline): Uncertain significance (1 of 4 stars; one submission).

gnomAD v4.1: 623 of 1,535,702 alleles (0.041%); highest among the groups gnomAD compares: African/African-American, 0.64%; no homozygotes.

Submission:

CeGaT Center for Human Genetics Tuebingen
Classification: Uncertain significance. Last evaluated: 2026-04-01. Review status: criteria provided, single submitter. Criteria: CeGaT Center For Human Genetics Tuebingen Variant Classification Criteria Version 2. Collection method: clinical testing. Allele origin: germline. Affected: yes. Observed: 1 variant allele.
Comment: SLC19A1: PM2, PP3